The following is an entry in ClinVar:

NM_004260.4(RECQL4):c.3016G>C (p.Ala1006Pro)

Gene: RECQL4 (RecQ like helicase 4; minus strand). Cytogenetic location: 8q24.3.
Variant type: single nucleotide variant.
Coding change: c.3016G>C on transcript NM_004260.4 (MANE Select); coding-DNA position 3016, G replaced by C.
Protein change: p.Ala1006Pro; replaces alanine 1006 with proline.
Molecular consequence: missense variant. On other transcripts: non-coding transcript variant (3).
Genome position (GRCh38, 1-based): chr8:144,512,431, C>G on the plus strand (G>C on the coding strand, the complement: RECQL4 is on the minus strand). VCF-style: chr8-144512431-C-G. GRCh37 (hg19) VCF-style: chr8-145737814-C-G.
Other names: c.2722G>C, p.Ala908Pro (NM_001413017.1); c.2818G>C, p.Ala940Pro (NM_001413018.1); c.3091G>C, p.Ala1031Pro (NM_001413019.1); c.2920G>C, p.Ala974Pro (NM_001413020.1); c.1945G>C, p.Ala649Pro (NM_001413021.1, NM_001413022.1, NM_001413024.1 and 4 more transcripts); c.2020G>C, p.Ala674Pro (NM_001413023.1); c.2887G>C, p.Ala963Pro (NM_001413025.1); c.1879G>C, p.Ala627Pro (NM_001413027.1, NM_001413030.1, NM_001413032.1); and 9 more; short protein forms A627P, A652P, A674P, A940P, A963P, A996P, A639P, A908P.
Identifiers: ClinVar variation 3944308 (VCV003944308.1).

ClinVar aggregate classification (germline): Uncertain significance (1 of 4 stars; one submission).

Conditions:
Inborn genetic diseases. Identifiers: MedGen C0950123, MeSH D030342.

Submission:

Ambry Genetics
Classification: Uncertain significance for Inborn genetic diseases. Last evaluated: 2025-05-04. Review status: criteria provided, single submitter. Criteria: Ambry Variant Classification Scheme 2023. Collection method: clinical testing. Allele origin: germline.
Comment: The p.A1006P variant (also known as c.3016G>C), located in coding exon 17 of the RECQL4 gene, results from a G to C substitution at nucleotide position 3016. The alanine at codon 1006 is replaced by proline, an amino acid with highly similar properties. This amino acid position is conserved. Based on the available evidence, the clinical significance of this variant remains unclear.